The following is an entry in ClinVar:

NM_001378024.1(ARHGAP32):c.5082C>T (p.Pro1694=)

Gene: ARHGAP32 (Rho GTPase activating protein 32; minus strand). Cytogenetic location: 11q24.3.
Variant type: single nucleotide variant.
Coding change: c.5082C>T on transcript NM_001378024.1 (MANE Select); coding-DNA position 5082, C replaced by T.
Protein change: p.Pro1694=; no amino-acid change (proline 1694 retained).
Molecular consequence: synonymous variant.
Genome position (GRCh38, 1-based): chr11:128,970,131, G>A on the plus strand (C>T on the coding strand, the complement: ARHGAP32 is on the minus strand). VCF-style: chr11-128970131-G-A. GRCh37 (hg19) VCF-style: chr11-128840026-G-A.
Other names: c.5040C>T, p.Pro1680= (NM_001142685.2); c.4920C>T, p.Pro1640= (NM_001378025.1); c.3993C>T, p.Pro1331= (NM_014715.4).
Identifiers: ClinVar variation 3049136 (VCV003049136.2), dbSNP rs183293077, ClinGen allele CA6358460.

ClinVar aggregate classification (germline): Likely benign (0 of 4 stars; one submission).

Conditions:
ARHGAP32-related disorder. Also called: ARHGAP32-related condition.

Allele frequency attached by ClinVar (database versions not stated): ExAC 0.00030; gnomAD 0.00032; gnomAD exomes 0.00038; TOPMed 0.00038; ESP Exome Variant Server 0.00054; 1000 Genomes Project 30x 0.00062; 1000 Genomes Project 0.00080.
gnomAD v4.1: 595 of 1,614,212 alleles (0.037%); highest among the groups gnomAD compares: Admixed American, 0.065%; 2 homozygotes.

Submission:

PreventionGenetics, part of Exact Sciences
Classification: Likely benign for ARHGAP32-related condition. Last evaluated: 2019-12-02. Review status: no assertion criteria provided. Collection method: clinical testing. Allele origin: germline.
Comment: This variant is classified as likely benign based on ACMG/AMP sequence variant interpretation guidelines (Richards et al. 2015 PMID: 25741868, with internal and published modifications).